The following is an entry in ClinVar:

ClinVar aggregate classification (germline): Uncertain significance (1 of 4 stars; one submission).

Conditions:
Aortic aneurysm, familial thoracic 8 (AAT8). Identifiers: MedGen C3809513, MONDO:0014187, OMIM 615436.

Submission:

Labcorp Genetics (formerly Invitae), Labcorp
Classification: Uncertain significance for Aortic aneurysm, familial thoracic 8. Last evaluated: 2026-01-10. Review status: criteria provided, single submitter. Criteria: Invitae Variant Classification Sherloc (09022015). Collection method: clinical testing. Allele origin: germline.
Comment: This sequence change replaces serine, which is neutral and polar, with cysteine, which is neutral and slightly polar, at codon 399 of the PRKG1 protein (p.Ser399Cys). This variant is not present in population databases (gnomAD no frequency). This variant has not been reported in the literature in individuals affected with PRKG1-related conditions. An algorithm developed to predict the effect of missense changes on protein structure and function (PolyPhen-2) suggests that this variant is likely to be tolerated. In summary, the available evidence is currently insufficient to determine the role of this variant in disease. Therefore, it has been classified as a Variant of Uncertain Significance.

NM_006258.4(PRKG1):c.1196C>G (p.Ser399Cys)

Gene: PRKG1 (protein kinase cGMP-dependent 1; plus strand). Cytogenetic location: 10q21.1.
Variant type: single nucleotide variant.
Coding change: c.1196C>G on transcript NM_006258.4 (MANE Select); coding-DNA position 1196, C replaced by G.
Protein change: p.Ser399Cys; replaces serine 399 with cysteine.
Molecular consequence: missense variant. On other transcripts: 5 prime UTR variant (1).
Genome position (GRCh38, 1-based): chr10:52,271,372, C>G. VCF-style: chr10-52271372-C-G. GRCh37 (hg19) VCF-style: chr10-54031132-C-G.
Other names: c.1151C>G, p.Ser384Cys (NM_001098512.3); c.-14C>G (NM_001374781.1); short protein forms S384C, S399C.
Identifiers: ClinVar variation 4735038 (VCV004735038.1).
Genomic context (GRCh38, chr10:52,271,372, plus strand): 5'-TATGGGCTTTTTCTTACTCTCTTCTCTCTTTCTTTAAGGTCCAGTTGAAAAGTGAAGAAT[C>G]CAAAACGTTTGCAATGAAGATTCTCAAGAAACGTCACATTGTGGACACAAGACAGCAGGA-3'
Protein context (NP_006249.1, residues 389-409): VELVQLKSEE[Ser399Cys]KTFAMKILKK